The following is an entry in ClinVar:

ClinVar aggregate classification (germline): Likely benign. Review status: criteria provided, multiple submitters, no conflicts (2 of 4 stars). 2 submissions from 2 submitters: Likely benign (2). Last evaluated 2024-07-01.

gnomAD v4.1: 8 of 1,614,092 alleles (0.0005%); highest among the groups gnomAD compares: Non-Finnish European, 0.00068%; no homozygotes.

Submissions (2):

CeGaT Center for Human Genetics Tuebingen
Classification: Likely benign. Last evaluated: 2024-07-01. Review status: criteria provided, single submitter. Criteria: CeGaT Center For Human Genetics Tuebingen Variant Classification Criteria Version 2. Collection method: clinical testing. Allele origin: germline. Affected: yes. Observed: 1 variant allele.
Comment: DLL1: PM2:Supporting, BP4, BP7

Blueprint Genetics
Classification: Likely benign. Last evaluated: 2024-03-14. Review status: criteria provided, single submitter. Criteria: ACMG Guidelines, 2015. Collection method: clinical testing. Allele origin: germline.

NM_005618.4(DLL1):c.552C>T (p.Tyr184=)

Gene: DLL1 (delta like canonical Notch ligand 1; minus strand). Cytogenetic location: 6q27.
Variant type: single nucleotide variant.
Coding change: c.552C>T on transcript NM_005618.4 (MANE Select); coding-DNA position 552, C replaced by T.
Protein change: p.Tyr184=; no amino-acid change (tyrosine 184 retained).
Molecular consequence: synonymous variant.
Genome position (GRCh38, 1-based): chr6:170,288,357, G>A on the plus strand (C>T on the coding strand, the complement: DLL1 is on the minus strand). VCF-style: chr6-170288357-G-A. GRCh37 (hg19) VCF-style: chr6-170597445-G-A.
Identifiers: ClinVar variation 3257206 (VCV003257206.18).